The following is an entry in ClinVar:

ClinVar aggregate classification (germline): Uncertain significance (1 of 4 stars; one submission).

Conditions:
Long QT syndrome (LQTS). Identifiers: MedGen C0023976, MeSH D008133, MONDO:0002442. Disease mechanism: loss of function. Inheritance: Various modes of inheritance.

Allele frequency attached by ClinVar (database versions not stated): ExAC 0.00001; gnomAD 0.00001; 1000 Genomes Project 30x 0.00016; 1000 Genomes Project 0.00020.
gnomAD v4.1: 3 of 1,612,376 alleles (0.00019%); highest among the groups gnomAD compares: African/African-American, 0.004%; no homozygotes.

Submission:

All of Us Research Program, National Institutes of Health
Classification: Uncertain significance for Long QT syndrome. Last evaluated: 2023-10-06. Review status: criteria provided, single submitter. Criteria: ACMG Guidelines, 2015. Collection method: clinical testing. Allele origin: germline. Inheritance: Autosomal dominant inheritance. Observed: 1 variant allele, 1 heterozygote.
Comment: This missense variant replaces tryptophan with cysteine at codon 188 of the KCNQ1 protein. Computational prediction is inconclusive regarding the impact of this variant on protein structure and function (internally defined REVEL score threshold 0.5 < inconclusive < 0.7, PMID: 27666373). To our knowledge, functional studies have not been reported for this variant. This variant has not been reported in individuals affected with KCNQ1-related disorders in the literature. This variant has been identified in 1/249486 chromosomes in the general population by the Genome Aggregation Database (gnomAD). The available evidence is insufficient to determine the role of this variant in disease conclusively. Therefore, this variant is classified as a Variant of Uncertain Significance.

This study involves interpretation of variants in research participants for the purpose of population health screening. Participant phenotype was not available at the time of variant classification. Additional details can be found in publication PMID: 35346344, PMCID: PMC8962531

NM_000218.3(KCNQ1):c.564G>C (p.Trp188Cys)

Gene: KCNQ1 (potassium voltage-gated channel subfamily Q member 1; plus strand). Cytogenetic location: 11p15.5.
Variant type: single nucleotide variant.
Coding change: c.564G>C on transcript NM_000218.3 (MANE Select); coding-DNA position 564, G replaced by C.
Protein change: p.Trp188Cys; replaces tryptophan 188 with cysteine.
Molecular consequence: missense variant. On other transcripts: intron variant (1).
Genome position (GRCh38, 1-based): chr11:2,570,714, G>C. VCF-style: chr11-2570714-G-C. GRCh37 (hg19) VCF-style: chr11-2591944-G-C.
Other names: c.564G>C, p.Trp188Cys (NM_001406836.1); c.294G>C, p.Trp98Cys (NM_001406837.1); c.183G>C, p.Trp61Cys (NM_181798.2); c.478-12721G>C (NM_001406838.1); short protein forms W188C, W61C, W98C.
Identifiers: ClinVar variation 3073690 (VCV003073690.1), dbSNP rs530612385, ClinGen allele CA038418.